The following is an entry in ClinVar:

NM_004999.4(MYO6):c.651+4A>T

Gene: MYO6 (myosin VI; plus strand). Cytogenetic location: 6q14.1.
Variant type: single nucleotide variant.
Coding change: c.651+4A>T on transcript NM_004999.4 (MANE Select); 4 bases into the intron after coding-DNA position 651, A replaced by T.
Molecular consequence: intron variant.
Genome position (GRCh38, 1-based): chr6:75,840,686, A>T. VCF-style: chr6-75840686-A-T. GRCh37 (hg19) VCF-style: chr6-76550403-A-T.
Other names: c.651+4A>T (NM_001368865.1, NM_001368866.1, NM_001368137.1 and 4 more transcripts); c.636+4A>T (NM_001368138.1).
Identifiers: ClinVar variation 4713225 (VCV004713225.2).

ClinVar aggregate classification (germline): Uncertain significance. Review status: criteria provided, multiple submitters, no conflicts (2 of 4 stars). 2 submissions from 2 submitters: Uncertain significance (2). Last evaluated 2026-02-06.

Submissions (2):

Women's Health and Genetics/Laboratory Corporation of America, LabCorp
Classification: Uncertain significance. Last evaluated: 2026-02-06. Review status: criteria provided, single submitter. Criteria: LabCorp Variant Classification Summary - May 2015. Collection method: clinical testing. Allele origin: germline.
Comment: Variant summary: MYO6 c.651+4A>T alters a conserved nucleotide located close to a canonical splice site and therefore could affect mRNA splicing, leading to a significantly altered protein sequence. Consensus agreement among computation tools predict no significant impact on normal splicing. However, these predictions have yet to be confirmed by functional studies. The variant was absent in 249678 control chromosomes. The available data on variant occurrences in the general population are insufficient to allow any conclusion about variant significance. To our knowledge, no occurrence of c.651+4A>T in individuals affected with MYO6-related conditions and no experimental evidence demonstrating its impact on protein function have been reported. No submitters have cited clinical-significance assessments for this variant to ClinVar. Based on the evidence outlined above, the variant was classified as uncertain significance.

Labcorp Genetics (formerly Invitae), Labcorp
Classification: Uncertain significance. Last evaluated: 2025-02-16. Review status: criteria provided, single submitter. Criteria: Invitae Variant Classification Sherloc (09022015). Collection method: clinical testing. Allele origin: germline.
Comment: This sequence change falls in intron 8 of the MYO6 gene. It does not directly change the encoded amino acid sequence of the MYO6 protein. It affects a nucleotide within the consensus splice site. This variant is not present in population databases (gnomAD no frequency). This variant has not been reported in the literature in individuals affected with MYO6-related conditions. Variants that disrupt the consensus splice site are a relatively common cause of aberrant splicing (PMID: 17576681, 9536098). Algorithms developed to predict the effect of sequence changes on RNA splicing suggest that this variant is not likely to affect RNA splicing. In summary, the available evidence is currently insufficient to determine the role of this variant in disease. Therefore, it has been classified as a Variant of Uncertain Significance.

Literature cited by the submitters: PubMed 17576681 (cited by Labcorp Genetics (formerly Invitae), Labcorp); PubMed 9536098 (cited by Labcorp Genetics (formerly Invitae), Labcorp).